The following is an entry in ClinVar:

Single allele

Variant type: Deletion.
Identifiers: ClinVar variation 156856 (VCV000156856.2).

ClinVar aggregate classification (germline): not provided. Review status: no classification provided (0 of 4 stars). 3 submissions from 1 submitter: not provided (3).

Conditions:
Preeclampsia. Identifiers: Orphanet 275555, MedGen C0032914, MONDO:0005081, HP:0100602.
Normal pregnancy. Identifiers: MedGen C0232989.
Gestational diabetes mellitus uncontrolled. Identifiers: MedGen C3532257.

Submissions (3):

Institute of Molecular and Cell Biology, University of Tartu
No classification provided. Condition: Normal pregnancy. Review status: no classification provided. Collection method: case-control. Allele origin: unknown. Affected: yes. Study: Kasak2014.
Comment: The study aimed to determine the contribution of copy number variants in the genetic etiology of normal and complicated pregnancies. The samples represented (i) maternal blood DNA drawn from healthy pregnant women during 1st or 2nd trimester and (ii) maternal and paternal blood DNA drawn at term pregnancy cases representing normal and complicated gestations (severe preeclampsia, PE; gestational diabetes, GD; small-for-gestational age newborn, SGA; large-for-gestational age newborn, LGA). We performed CNV calling based on genome-wide genotyping dataset (Illumina HumanOmniExpress-24-v1 BeadChip) by applying three algorithms, QuantiSNP, GADA (Genome Alteration Detection Algorithm) and CNstream in parallel. The acquired CNV calls were merged with HD-CNV (Hotspot Detector for Copy Number Variants) program and only the CNVs predicted by at least two programs, were considered in subsequent analysis.

Institute of Molecular and Cell Biology, University of Tartu
No classification provided. Condition: Preeclampsia. Review status: no classification provided. Collection method: case-control. Allele origin: unknown. Affected: yes. Study: Kasak2014.
Comment: the same text as in the submission from Institute of Molecular and Cell Biology, University of Tartu above.

Institute of Molecular and Cell Biology, University of Tartu
No classification provided. Condition: Gestational diabetes mellitus uncontrolled. Review status: no classification provided. Collection method: case-control. Allele origin: unknown. Affected: yes. Study: Kasak2014.
Comment: the same text as in the submission from Institute of Molecular and Cell Biology, University of Tartu above.

Literature cited by the submitters: PubMed 25666259.